The following is an entry in ClinVar:

ClinVar aggregate classification (germline): Uncertain significance. Review status: criteria provided, multiple submitters, no conflicts (2 of 4 stars). 2 submissions from 2 submitters: Uncertain significance (2). Last evaluated 2026-08-21.

Conditions:
Hereditary cancer-predisposing syndrome. Also called: Neoplastic Syndromes, Hereditary; Hereditary Cancer Syndrome; Tumor predisposition; Hereditary neoplastic syndrome. Identifiers: Orphanet 140162, MedGen C0027672, MeSH D009386, MONDO:0015356.
Ataxia-telangiectasia syndrome (AT). Also called: LOUIS-BAR SYNDROME; AT, COMPLEMENTATION GROUP C; Ataxia telangiectasia (A-T); Cerebello-oculocutaneous telangiectasia; Immunodeficiency with ataxia telangiectasia; Ataxia-telangiectasia. Identifiers: Orphanet 100, MedGen C0004135, MONDO:0008840, OMIM 208900.

Submissions (2):

Ambry Genetics
Classification: Uncertain significance for Hereditary cancer-predisposing syndrome. Last evaluated: 2026-08-21. Review status: criteria provided, single submitter. Criteria: Ambry Variant Classification Scheme 2023. Collection method: clinical testing. Allele origin: germline.
Comment: The p.M1131T variant (also known as c.3392T>C), located in coding exon 22 of the ATM gene, results from a T to C substitution at nucleotide position 3392. The methionine at codon 1131 is replaced by threonine, an amino acid with similar properties. In an assay testing ATM function, this variant showed a functionally abnormal result (Lee KS et al. Cell, 2025 Sep;188:5081-5099.e27). This amino acid position is not well conserved in available vertebrate species. In addition, this alteration is predicted to be tolerated by in silico analysis. Based on the available evidence, the clinical significance of this variant remains unclear.

Labcorp Genetics (formerly Invitae), Labcorp
Classification: Uncertain significance for Ataxia-telangiectasia syndrome. Last evaluated: 2021-08-04. Review status: criteria provided, single submitter. Criteria: Invitae Variant Classification Sherloc (09022015). Collection method: clinical testing. Allele origin: germline.
Comment: This sequence change replaces methionine with threonine at codon 1131 of the ATM protein (p.Met1131Thr). The methionine residue is moderately conserved and there is a moderate physicochemical difference between methionine and threonine. This variant is not present in population databases (ExAC no frequency). This variant has not been reported in the literature in individuals affected with ATM-related conditions. Algorithms developed to predict the effect of missense changes on protein structure and function output the following: SIFT: "Deleterious"; PolyPhen-2: "Benign"; Align-GVGD: "Class C55". The threonine amino acid residue is found in multiple mammalian species, which suggests that this missense change does not adversely affect protein function. In summary, the available evidence is currently insufficient to determine the role of this variant in disease. Therefore, it has been classified as a Variant of Uncertain Significance.

Literature cited by the submitters: PubMed 40580951 (cited by Ambry Genetics).

NM_000051.4(ATM):c.3392T>C (p.Met1131Thr)

Gene: ATM (ATM serine/threonine kinase; plus strand). Cytogenetic location: 11q22.3.
Variant type: single nucleotide variant.
Coding change: c.3392T>C on transcript NM_000051.4 (MANE Select); coding-DNA position 3392, T replaced by C.
Protein change: p.Met1131Thr; replaces methionine 1131 with threonine.
Molecular consequence: missense variant.
Genome position (GRCh38, 1-based): chr11:108,279,598, T>C. VCF-style: chr11-108279598-T-C. GRCh37 (hg19) VCF-style: chr11-108150325-T-C.
Other names: c.3392T>C, p.Met1131Thr (NM_001351834.2); short protein forms M1131T.
Identifiers: ClinVar variation 940886 (VCV000940886.7), dbSNP rs2082123790, ClinGen allele CA382517828.